The following is an entry in ClinVar:

ClinVar aggregate classification (germline): Uncertain significance (1 of 4 stars; one submission).

Conditions:
Inborn genetic diseases. Identifiers: MedGen C0950123, MeSH D030342.

Allele frequency attached by ClinVar (database versions not stated): gnomAD exomes below 0.00001.
gnomAD v4.1: 1 of 1,614,066 alleles (0.000062%); highest among the groups gnomAD compares: African/African-American, 0.0013%; no homozygotes.

Submission:

Ambry Genetics
Classification: Uncertain significance for Inborn genetic diseases. Last evaluated: 2021-11-12. Review status: criteria provided, single submitter. Criteria: Ambry Variant Classification Scheme 2023. Collection method: clinical testing. Allele origin: germline.
Comment: The p.A337T variant (also known as c.1009G>A), located in coding exon 9 of the RAD51 gene, results from a G to A substitution at nucleotide position 1009. The alanine at codon 337 is replaced by threonine, an amino acid with similar properties. This amino acid position is conserved. In addition, this alteration is predicted to be tolerated by in silico analysis. Since supporting evidence is limited at this time, the clinical significance of this alteration remains unclear.

NM_002875.5(RAD51):c.1009G>A (p.Ala337Thr)

Gene: RAD51 (RAD51 recombinase; plus strand). Cytogenetic location: 15q15.1.
Variant type: single nucleotide variant.
Coding change: c.1009G>A on transcript NM_002875.5 (MANE Select); coding-DNA position 1009, G replaced by A.
Protein change: p.Ala337Thr; replaces alanine 337 with threonine.
Molecular consequence: missense variant. On other transcripts: 3 prime UTR variant (1).
Genome position (GRCh38, 1-based): chr15:40,731,167, G>A. VCF-style: chr15-40731167-G-A. GRCh37 (hg19) VCF-style: chr15-41023365-G-A.
Other names: c.1012G>A, p.Ala338Thr (NM_001164269.2, NM_133487.4); c.*44G>A (NM_001164270.2); short protein forms A337T, A338T.
Identifiers: ClinVar variation 1795065 (VCV001795065.2), dbSNP rs2141887233, ClinGen allele CA391761295.